The following is an entry in ClinVar:

ClinVar aggregate classification (germline): Conflicting classifications of pathogenicity. Review status: criteria provided, conflicting classifications (1 of 4 stars). 3 submissions from 3 submitters: Uncertain significance (2); Benign (1). Last evaluated 2025-02-05.

Conditions:
Primary pulmonary hypertension. Also called: Idiopathic pulmonary hypertension. Identifiers: MedGen C0152171.
Inborn genetic diseases. Identifiers: MedGen C0950123, MeSH D030342.
Pulmonary hypertension, primary, 1 (PPH1). Also called: Pulmonary hypertension, familial primary, 1, with or without HHT. Identifiers: Orphanet 422, MedGen C4552070, MONDO:0024533, OMIM 178600.
Pulmonary venoocclusive disease 1 (PVOD1). Also called: Pulmonary venoocclusive disease 1, autosomal dominant. Identifiers: Orphanet 31837, MedGen C3887658, MONDO:0020713, OMIM 265450.

gnomAD v4.1: 12 of 1,614,076 alleles (0.00074%); highest among the groups gnomAD compares: African/African-American, 0.0013%; no homozygotes.

Submissions (3):

Labcorp Genetics (formerly Invitae), Labcorp
Classification: Benign for Primary pulmonary hypertension. Last evaluated: 2025-02-05. Review status: criteria provided, single submitter. Criteria: Invitae Variant Classification Sherloc (09022015). Collection method: clinical testing. Allele origin: germline.

Ambry Genetics
Classification: Uncertain significance for Inborn genetic diseases. Last evaluated: 2024-12-10. Review status: criteria provided, single submitter. Criteria: Ambry Variant Classification Scheme 2023. Collection method: clinical testing. Allele origin: germline.
Comment: The p.I552T variant (also known as c.1655T>C), located in coding exon 12 of the BMPR2 gene, results from a T to C substitution at nucleotide position 1655. The isoleucine at codon 552 is replaced by threonine, an amino acid with similar properties. This amino acid position is conserved. In addition, the in silico prediction for this alteration is inconclusive. Based on the available evidence, the clinical significance of this variant remains unclear.

Fulgent Genetics
Classification: Uncertain significance for Pulmonary hypertension, primary, 1; Pulmonary venoocclusive disease 1. Last evaluated: 2024-06-17. Review status: criteria provided, single submitter. Criteria: ACMG Guidelines, 2015. Collection method: clinical testing. Allele origin: germline.

NM_001204.7(BMPR2):c.1655T>C (p.Ile552Thr)

Gene: BMPR2 (bone morphogenetic protein receptor type 2; plus strand). Cytogenetic location: 2q33.2.
Variant type: single nucleotide variant.
Coding change: c.1655T>C on transcript NM_001204.7 (MANE Select); coding-DNA position 1655, T replaced by C.
Protein change: p.Ile552Thr; replaces isoleucine 552 with threonine.
Molecular consequence: missense variant.
Genome position (GRCh38, 1-based): chr2:202,555,320, T>C. VCF-style: chr2-202555320-T-C. GRCh37 (hg19) VCF-style: chr2-203420043-T-C.
Other names: short protein forms I552T.
Identifiers: ClinVar variation 3481364 (VCV003481364.3).
Genomic context (GRCh38, chr2:202,555,320, plus strand): 5'-CACATAATAGGCGTGTGCCAAAAATTGGTCCTTATCCAGATTATTCTTCCTCCTCATACA[T>C]TGAAGACTCTATCCATCATACTGACAGCATCGTGAAGAATATTTCCTCTGAGCATTCTAT-3'
Protein context (NP_001195.2, residues 542-562): PYPDYSSSSY[Ile552Thr]EDSIHHTDSI